The following is an entry in ClinVar:

ClinVar aggregate classification (germline): Benign. Review status: criteria provided, multiple submitters, no conflicts (2 of 4 stars). 2 submissions from 2 submitters: Benign (2). Last evaluated 2018-06-14.

Allele frequency attached by ClinVar (database versions not stated): gnomAD exomes 0.11175 and 0.12795; ExAC 0.14118; gnomAD 0.19020 and 0.19570; 1000 Genomes Project 0.19249; TOPMed 0.19941; 1000 Genomes Project 30x 0.20050; ESP Exome Variant Server 0.20577.
gnomAD v4.1: 159,405 of 1,317,184 alleles (12%); highest among the groups gnomAD compares: African/African-American, 38%; 12,724 homozygotes.

Submissions (2):

GeneDx
Classification: Benign. Last evaluated: 2018-06-14. Review status: criteria provided, single submitter. Criteria: GeneDx Variant Classification (06012015). Collection method: clinical testing. Allele origin: germline. Affected: yes.
Comment: This variant is considered likely benign or benign based on one or more of the following criteria: it is a conservative change, it occurs at a poorly conserved position in the protein, it is predicted to be benign by multiple in silico algorithms, and/or has population frequency not consistent with disease.

Breakthrough Genomics
Classification: Benign. Review status: criteria provided, single submitter. Criteria: ACMG Guidelines, 2015. Collection method: not provided. Allele origin: germline. Inheritance: Autosomal recessive inheritance. Affected: yes.

NM_003477.3(PDHX):c.241+24C>A

Gene: PDHX (pyruvate dehydrogenase complex component X; plus strand). Cytogenetic location: 11p13.
Variant type: single nucleotide variant.
Coding change: c.241+24C>A on transcript NM_003477.3 (MANE Select); 24 bases into the intron after coding-DNA position 241, C replaced by A.
Molecular consequence: intron variant.
Genome position (GRCh38, 1-based): chr11:34,931,508, C>A. VCF-style: chr11-34931508-C-A. GRCh37 (hg19) VCF-style: chr11-34953055-C-A.
Other names: c.61+24C>A (NM_001135024.2); c.241+24C>A (NM_001166158.2).
Identifiers: ClinVar variation 671564 (VCV000671564.2), dbSNP rs12289218, ClinGen allele CA5945774.